The following is an entry in ClinVar:

NM_001271.4(CHD2):c.3586G>A (p.Ala1196Thr)

Gene: CHD2 (chromodomain helicase DNA binding protein 2; plus strand). Cytogenetic location: 15q26.1.
Variant type: single nucleotide variant.
Coding change: c.3586G>A on transcript NM_001271.4 (MANE Select); coding-DNA position 3586, G replaced by A.
Protein change: p.Ala1196Thr; replaces alanine 1196 with threonine.
Molecular consequence: missense variant.
Genome position (GRCh38, 1-based): chr15:92,992,989, G>A. VCF-style: chr15-92992989-G-A. GRCh37 (hg19) VCF-style: chr15-93536219-G-A.
Other names: short protein forms A1196T.
Identifiers: ClinVar variation 846295 (VCV000846295.10), dbSNP rs561941628, ClinGen allele CA7748252.
Genomic context (GRCh38, chr15:92,992,989, plus strand): 5'-CTGATCCACAACAGCTGTGTGTCAGCAATGCAGGAATACGAAGAGCAGCTGAAAGAAAAT[G>A]CCAGCGAGGGTAAGCGAAGTTGGCTTTAGTGAGTCTTCGCAACCTGGCACTCTTGGACTG-3'
Protein context (NP_001262.3, residues 1186-1206): QEYEEQLKEN[Ala1196Thr]SEGKGPGKRR

ClinVar aggregate classification (germline): Uncertain significance (1 of 4 stars; one submission).

Conditions:
Developmental and epileptic encephalopathy 94 (DEE94). Also called: Epileptic encephalopathy, childhood-onset; CHD2-Related Neurodevelopmental Disorders. Identifiers: Orphanet 1942, Orphanet 2382, MedGen C3809278, MONDO:0014150, OMIM 615369.

Allele frequency attached by ClinVar (database versions not stated): gnomAD 0.00001; gnomAD exomes 0.00001; ExAC 0.00002; 1000 Genomes Project 30x 0.00016; 1000 Genomes Project 0.00020.
gnomAD v4.1: 2 of 1,613,636 alleles (0.00012%); highest among the groups gnomAD compares: Admixed American, 0.0017%; no homozygotes.

Submission:

Labcorp Genetics (formerly Invitae), Labcorp
Classification: Uncertain significance for Developmental and epileptic encephalopathy 94. Last evaluated: 2024-09-13. Review status: criteria provided, single submitter. Criteria: Invitae Variant Classification Sherloc (09022015). Collection method: clinical testing. Allele origin: germline.
Comment: This sequence change replaces alanine, which is neutral and non-polar, with threonine, which is neutral and polar, at codon 1196 of the CHD2 protein (p.Ala1196Thr). This variant is present in population databases (rs561941628, gnomAD 0.007%). This variant has not been reported in the literature in individuals affected with CHD2-related conditions. ClinVar contains an entry for this variant (Variation ID: 846295). Invitae Evidence Modeling of protein sequence and biophysical properties (such as structural, functional, and spatial information, amino acid conservation, physicochemical variation, residue mobility, and thermodynamic stability) indicates that this missense variant is not expected to disrupt CHD2 protein function with a negative predictive value of 95%. In summary, the available evidence is currently insufficient to determine the role of this variant in disease. Therefore, it has been classified as a Variant of Uncertain Significance.